The following is an entry in ClinVar:

ClinVar aggregate classification (germline): Uncertain significance (1 of 4 stars; one submission).

Allele frequency attached by ClinVar (database versions not stated): gnomAD exomes below 0.00001.
gnomAD v4.1: 4 of 1,611,762 alleles (0.00025%); highest among the groups gnomAD compares: Non-Finnish European, 0.00034%; no homozygotes.

Submission:

Labcorp Genetics (formerly Invitae), Labcorp
Classification: Uncertain significance. Last evaluated: 2023-10-06. Review status: criteria provided, single submitter. Criteria: Invitae Variant Classification Sherloc (09022015). Collection method: clinical testing. Allele origin: germline.
Comment: This sequence change replaces glutamic acid, which is acidic and polar, with alanine, which is neutral and non-polar, at codon 25 of the ATR protein (p.Glu25Ala). This variant is not present in population databases (gnomAD no frequency). This variant has not been reported in the literature in individuals affected with ATR-related conditions. An algorithm developed to predict the effect of missense changes on protein structure and function (PolyPhen-2) suggests that this variant is likely to be tolerated. In summary, the available evidence is currently insufficient to determine the role of this variant in disease. Therefore, it has been classified as a Variant of Uncertain Significance.

NM_001184.4(ATR):c.74A>C (p.Glu25Ala)

Gene: ATR (ATR checkpoint kinase; minus strand). Cytogenetic location: 3q23.
Variant type: single nucleotide variant.
Coding change: c.74A>C on transcript NM_001184.4 (MANE Select); coding-DNA position 74, A replaced by C.
Protein change: p.Glu25Ala; replaces glutamic acid 25 with alanine.
Molecular consequence: missense variant.
Genome position (GRCh38, 1-based): chr3:142,568,140, T>G on the plus strand (A>C on the coding strand, the complement: ATR is on the minus strand). VCF-style: chr3-142568140-T-G. GRCh37 (hg19) VCF-style: chr3-142286982-T-G.
Other names: c.74A>C, p.Glu25Ala (NM_001354579.2); short protein forms E25A.
Identifiers: ClinVar variation 2851394 (VCV002851394.3), dbSNP rs771805892, ClinGen allele CA84759260.